The following is an entry in ClinVar:

NM_015047.3(EMC1):c.1605G>T (p.Met535Ile)

Genes: EMC1-AS1 (EMC1 antisense RNA 1; plus strand), EMC1 (ER membrane protein complex subunit 1; minus strand). Cytogenetic location: 1p36.13.
Variant type: single nucleotide variant.
Coding change: c.1605G>T on transcript NM_015047.3 (MANE Select); coding-DNA position 1605, G replaced by T.
Protein change: p.Met535Ile; replaces methionine 535 with isoleucine.
Molecular consequence: missense variant.
Genome position (GRCh38, 1-based): chr1:19,232,963, C>A on the plus strand (G>T on the coding strand, the complement: EMC1 is on the minus strand). VCF-style: chr1-19232963-C-A. GRCh37 (hg19) VCF-style: chr1-19559457-C-A.
Other names: c.1602G>T, p.Met534Ile (NM_001271427.2, NM_001271428.2); c.1539G>T, p.Met513Ile (NM_001271429.2); c.1614G>T, p.Met538Ile (NM_001375820.1); c.1611G>T, p.Met537Ile (NM_001375821.1); c.1605G>T (NM_015047.1); short protein forms M513I, M534I, M535I, M537I, M538I.
Identifiers: ClinVar variation 1057360 (VCV001057360.13), dbSNP rs753353617, ClinGen allele CA652545.

ClinVar aggregate classification (germline): Uncertain significance. Review status: criteria provided, multiple submitters, no conflicts (2 of 4 stars). 2 submissions from 2 submitters: Uncertain significance (2). Last evaluated 2025-09-17.

Conditions:
Inborn genetic diseases. Identifiers: MedGen C0950123, MeSH D030342.

Allele frequency attached by ClinVar (database versions not stated): ExAC 0.00001; gnomAD 0.00001; TOPMed 0.00002.
gnomAD v4.1: 10 of 1,614,032 alleles (0.00062%); highest among the groups gnomAD compares: African/African-American, 0.0013%; no homozygotes.

Submissions (2):

Labcorp Genetics (formerly Invitae), Labcorp
Classification: Uncertain significance. Last evaluated: 2025-09-17. Review status: criteria provided, single submitter. Criteria: Invitae Variant Classification Sherloc (09022015). Collection method: clinical testing. Allele origin: germline.
Comment: This sequence change replaces methionine, which is neutral and non-polar, with isoleucine, which is neutral and non-polar, at codon 535 of the EMC1 protein (p.Met535Ile). The frequency data for this variant in the population databases is considered unreliable, as metrics indicate poor data quality at this position in the gnomAD database. This variant has not been reported in the literature in individuals affected with EMC1-related conditions. ClinVar contains an entry for this variant (Variation ID: 1057360). Invitae Evidence Modeling of protein sequence and biophysical properties (such as structural, functional, and spatial information, amino acid conservation, physicochemical variation, residue mobility, and thermodynamic stability) indicates that this missense variant is not expected to disrupt EMC1 protein function with a negative predictive value of 80%. In summary, the available evidence is currently insufficient to determine the role of this variant in disease. Therefore, it has been classified as a Variant of Uncertain Significance.

Ambry Genetics
Classification: Uncertain significance for Inborn genetic diseases. Last evaluated: 2023-04-24. Review status: criteria provided, single submitter. Criteria: Ambry Variant Classification Scheme 2023. Collection method: clinical testing. Allele origin: germline.